The following is an entry in ClinVar:

ClinVar aggregate classification (germline): Uncertain significance. Review status: criteria provided, multiple submitters, no conflicts (2 of 4 stars). 2 submissions from 2 submitters: Uncertain significance (2). Last evaluated 2023-08-17.

Conditions:
Hereditary cancer-predisposing syndrome. Also called: Neoplastic Syndromes, Hereditary; Tumor predisposition; Hereditary Cancer Syndrome; Hereditary neoplastic syndrome. Identifiers: Orphanet 140162, MedGen C0027672, MeSH D009386, MONDO:0015356.

Submissions (2):

Labcorp Genetics (formerly Invitae), Labcorp
Classification: Uncertain significance. Last evaluated: 2023-08-17. Review status: criteria provided, single submitter. Criteria: Invitae Variant Classification Sherloc (09022015). Collection method: clinical testing. Allele origin: germline.
Comment: In summary, the available evidence is currently insufficient to determine the role of this variant in disease. Therefore, it has been classified as a Variant of Uncertain Significance. Algorithms developed to predict the effect of missense changes on protein structure and function output the following: SIFT: "Not Available"; PolyPhen-2: "Benign"; Align-GVGD: "Not Available". The histidine amino acid residue is found in multiple mammalian species, which suggests that this missense change does not adversely affect protein function. ClinVar contains an entry for this variant (Variation ID: 1788029). This variant has not been reported in the literature in individuals affected with MSH3-related conditions. This variant is not present in population databases (gnomAD no frequency). This sequence change replaces glutamine, which is neutral and polar, with histidine, which is basic and polar, at codon 743 of the MSH3 protein (p.Gln743His).

Ambry Genetics
Classification: Uncertain significance for Hereditary cancer-predisposing syndrome. Last evaluated: 2022-10-20. Review status: criteria provided, single submitter. Criteria: Ambry Variant Classification Scheme 2023. Collection method: clinical testing. Allele origin: germline.
Comment: The p.Q743H variant (also known as c.2229A>C), located in coding exon 15 of the MSH3 gene, results from an A to C substitution at nucleotide position 2229. The glutamine at codon 743 is replaced by histidine, an amino acid with highly similar properties. This amino acid position is conserved. In addition, this alteration is predicted to be tolerated by in silico analysis. Since supporting evidence is limited at this time, the clinical significance of this alteration remains unclear.

NM_002439.5(MSH3):c.2229A>C (p.Gln743His)

Gene: MSH3 (mutS homolog 3; plus strand). Cytogenetic location: 5q14.1.
Variant type: single nucleotide variant.
Coding change: c.2229A>C on transcript NM_002439.5 (MANE Select); coding-DNA position 2229, A replaced by C.
Protein change: p.Gln743His; replaces glutamine 743 with histidine.
Molecular consequence: missense variant.
Genome position (GRCh38, 1-based): chr5:80,768,979, A>C. VCF-style: chr5-80768979-A-C. GRCh37 (hg19) VCF-style: chr5-80064798-A-C.
Other names: short protein forms Q743H.
Identifiers: ClinVar variation 1788029 (VCV001788029.5), dbSNP rs142338243, ClinGen allele CA360279728.